The following is an entry in ClinVar:

NM_000179.3(MSH6):c.4002-16T>G

Gene: MSH6 (mutS homolog 6; plus strand). Cytogenetic location: 2p16.3.
Variant type: single nucleotide variant.
Coding change: c.4002-16T>G on transcript NM_000179.3 (MANE Select); 16 bases into the intron before coding-DNA position 4002, T replaced by G.
Molecular consequence: intron variant.
Genome position (GRCh38, 1-based): chr2:47,806,763, T>G. VCF-style: chr2-47806763-T-G. GRCh37 (hg19) VCF-style: chr2-48033902-T-G.
Other names: c.3096-16T>G (NM_001281494.2, NM_001281493.2); c.3612-16T>G (NM_001281492.2).
Identifiers: ClinVar variation 380140 (VCV000380140.3), dbSNP rs1057520798, ClinGen allele CA16604337.

ClinVar aggregate classification (germline): Likely benign. Review status: criteria provided, multiple submitters, no conflicts (2 of 4 stars). 2 submissions from 2 submitters: Likely benign (2). Last evaluated 2017-02-21.

Conditions:
Hereditary cancer-predisposing syndrome. Also called: Tumor predisposition; Hereditary neoplastic syndrome; Neoplastic Syndromes, Hereditary; Hereditary Cancer Syndrome. Identifiers: Orphanet 140162, MedGen C0027672, MeSH D009386, MONDO:0015356.

Submissions (2):

Color Diagnostics, LLC DBA Color Health
Classification: Likely benign for Hereditary cancer-predisposing syndrome. Last evaluated: 2017-02-21. Review status: criteria provided, single submitter. Criteria: ACMG Guidelines, 2015. Collection method: clinical testing. Allele origin: germline.

GeneDx
Classification: Likely benign. Last evaluated: 2015-06-24. Review status: criteria provided, single submitter. Criteria: GeneDx Variant Classification (06012015). Collection method: clinical testing. Allele origin: germline. Affected: yes.
Comment: This variant is considered likely benign or benign based on one or more of the following criteria: it is a conservative change, it occurs at a poorly conserved position in the protein, it is predicted to be benign by multiple in silico algorithms, and/or has population frequency not consistent with disease.